The following is an entry in ClinVar:

NM_006295.3(VARS1):c.3650G>A (p.Arg1217His)

Gene: VARS1 (valyl-tRNA synthetase 1; minus strand). Cytogenetic location: 6p21.33.
Variant type: single nucleotide variant.
Coding change: c.3650G>A on transcript NM_006295.3 (MANE Select); coding-DNA position 3650, G replaced by A.
Protein change: p.Arg1217His; replaces arginine 1217 with histidine.
Molecular consequence: missense variant.
Genome position (GRCh38, 1-based): chr6:31,779,043, C>T on the plus strand (G>A on the coding strand, the complement: VARS1 is on the minus strand). VCF-style: chr6-31779043-C-T. GRCh37 (hg19) VCF-style: chr6-31746820-C-T.
Other names: short protein forms R1217H.
Identifiers: ClinVar variation 1029030 (VCV001029030.12), dbSNP rs368075745, ClinGen allele CA3722620.

ClinVar aggregate classification (germline): Uncertain significance. Review status: criteria provided, multiple submitters, no conflicts (2 of 4 stars). 7 submissions from 7 submitters: Uncertain significance (6). 1 of the submissions does not count toward it. Last evaluated 2025-11-21.

Conditions:
VARS1-related disorder. Also called: VARS1-related condition.
Neurodevelopmental disorder with microcephaly, seizures, and cortical atrophy. Identifiers: MedGen C4540493, MONDO:0060621, OMIM 617802.

Allele frequency attached by ClinVar (database versions not stated): gnomAD exomes 0.00010 and 0.00025; ExAC 0.00028; ESP Exome Variant Server 0.00048; gnomAD 0.00051 and 0.00055; 1000 Genomes Project 0.00060; 1000 Genomes Project 30x 0.00062; TOPMed 0.00068.
gnomAD v4.1: 231 of 1,612,670 alleles (0.014%); highest among the groups gnomAD compares: African/African-American, 0.19%; no homozygotes.

Submissions (7):

PreventionGenetics, part of Exact Sciences
Classification: Uncertain significance for VARS1-related condition. Last evaluated: 2025-11-21. Review status: criteria provided, single submitter. Criteria: ACMG Guidelines, 2015. Collection method: clinical testing. Allele origin: germline.
Comment: The VARS1 c.3650G>A variant is predicted to result in the amino acid substitution p.Arg1217His. This variant has been reported in the homozygous state in eight affected members from a large consanguineous family manifesting epilepsy, intellectual disability, short stature, growth hormone deficiency, and hypogonadism (Alsemari et al 2017. PubMed ID: 29137650). Of note, this variant was shown to segregate with disease in the reported family. This variant is reported in 0.24% of alleles in individuals of African descent in gnomAD. Although we suspect that this variant may be pathogenic, at this time, the clinical significance of this variant is uncertain due to the absence of conclusive functional and genetic evidence.

Blueprint Genetics
Classification: Uncertain significance. Last evaluated: 2023-06-27. Review status: criteria provided, single submitter. Criteria: ACMG Guidelines, 2015. Collection method: clinical testing. Allele origin: germline.

GeneDx
Classification: Uncertain significance. Last evaluated: 2022-09-20. Review status: criteria provided, single submitter. Criteria: GeneDx Variant Classification Process June 2021. Collection method: clinical testing. Allele origin: germline. Affected: yes.
Comment: In silico analysis supports that this missense variant does not alter protein structure/function; This variant is associated with the following publications: (PMID: 29137650)

Revvity Omics, Revvity
Classification: Uncertain significance for Neurodevelopmental disorder with microcephaly, seizures, and cortical atrophy. Last evaluated: 2021-10-04. Review status: criteria provided, single submitter. Criteria: ACMG Guidelines, 2015. Collection method: clinical testing. Allele origin: germline.

New York Genome Center
Classification: Uncertain significance for Neurodevelopmental disorder with microcephaly, seizures, and cortical atrophy. Last evaluated: 2021-06-22. Review status: criteria provided, single submitter. Criteria: NYGC Assertion Criteria 2020. Collection method: clinical testing. Allele origin: germline. Observed: 1 heterozygote. Study: CSER-NYCKidSeq.

Illumina Laboratory Services, Illumina
Classification: Uncertain significance for Neurodevelopmental disorder with microcephaly, seizures, and cortical atrophy. Last evaluated: 2021-02-01. Review status: criteria provided, single submitter. Criteria: ICSLVariantClassificationCriteria RUGD 01 April 2020. Collection method: clinical testing. Allele origin: unknown.
Comment: The VARS1 c.3650G>A (p.Arg1217His) variant is a missense variant that has been reported in one study in which it was identified in a homozygous state in eight similarly affected individuals from a large consanguineous family and shown to segregate with disease (Alsemari et al. 2017). Severe growth hormone failure and skeletal abnormalities, including severe osteomalacia and multiple looser zones and fractures, microcephaly, scoliosis, and kyphosis were also noted. Brain MRI showed cerebellar atrophy however cortical abnormalities were not observed. The p.Arg1217His variant is reported at a frequency of 0.002360 in the African /African American population of the Genome Aggregation Database, a frequency that is higher than would be expected for a rare autosomal recessive disease. Homology modelling shows that residue Arg1217 is located within the C-terminal coiled-coil domain of VARS1 and is thought to play a role in the specific recognition of tRNA. The p.Arg1217His variant is predicted to abolish this function (Alsemari et al. 2017). Based on the available evidence and application of the ACMG criteria, the p.Arg1217His variant is classified as a variant of uncertain significance for neurodevelopmental disorder with microcephaly, seizures, and cortical atrophy.

Baylor Genetics
Classification: Likely pathogenic for Neurodevelopmental disorder with microcephaly, seizures, and cortical atrophy. Last evaluated: 2020-02-13. Review status: flagged submission. Criteria: ACMG Guidelines, 2015. Collection method: clinical testing. Allele origin: unknown. Affected: yes. Not counted in ClinVar's aggregate classification.
Comment: This variant was determined to be likely pathogenic according to ACMG Guidelines, 2015 [PMID:25741868].
ClinVar note: Reason: Outlier claim with insufficient supporting evidence

Literature cited by the submitters: PubMed 29221463 (cited by Illumina Laboratory Services, Illumina).